The following is an entry in ClinVar:

NM_001366385.1(CARD14):c.149G>A (p.Cys50Tyr)

Gene: CARD14 (caspase recruitment domain family member 14; plus strand). Cytogenetic location: 17q25.3.
Variant type: single nucleotide variant.
Coding change: c.149G>A on transcript NM_001366385.1 (MANE Select); coding-DNA position 149, G replaced by A.
Protein change: p.Cys50Tyr; replaces cysteine 50 with tyrosine.
Molecular consequence: missense variant. On other transcripts: non-coding transcript variant (1).
Genome position (GRCh38, 1-based): chr17:80,181,587, G>A. VCF-style: chr17-80181587-G-A. GRCh37 (hg19) VCF-style: chr17-78155386-G-A.
Other names: c.149G>A, p.Cys50Tyr (NM_001257970.1, NM_024110.4); short protein forms C50Y.
Identifiers: ClinVar variation 4788051 (VCV004788051.1).

ClinVar aggregate classification (germline): Uncertain significance (1 of 4 stars; one submission).

Conditions:
Pityriasis rubra pilaris (PRP). Also called: Pityriasis rubra pilaris--familial type. Identifiers: Orphanet 2897, MedGen C0032027, MONDO:0100017, OMIM 173200, MONDO:0008251.
Psoriasis 2. Identifiers: MedGen C1864497, MONDO:0011269, OMIM 602723.

gnomAD v4.1: 26 of 1,563,038 alleles (0.0017%); highest among the groups gnomAD compares: Admixed American, 0.019%; 1 homozygote.

Submission:

Labcorp Genetics (formerly Invitae), Labcorp
Classification: Uncertain significance for Pityriasis rubra pilaris; Psoriasis 2. Last evaluated: 2025-06-04. Review status: criteria provided, single submitter. Criteria: Invitae Variant Classification Sherloc (09022015). Collection method: clinical testing. Allele origin: germline.
Comment: This sequence change replaces cysteine, which is neutral and slightly polar, with tyrosine, which is neutral and polar, at codon 50 of the CARD14 protein (p.Cys50Tyr). The frequency data for this variant in the population databases is considered unreliable, as metrics indicate poor data quality at this position in the gnomAD database. This missense change has been observed in individual(s) with palmoplantar pustulosis (PMID: 30998217). Invitae Evidence Modeling of protein sequence and biophysical properties (such as structural, functional, and spatial information, amino acid conservation, physicochemical variation, residue mobility, and thermodynamic stability) indicates that this missense variant is not expected to disrupt CARD14 protein function with a negative predictive value of 95%. In summary, the available evidence is currently insufficient to determine the role of this variant in disease. Therefore, it has been classified as a Variant of Uncertain Significance.

Literature cited by the submitters: PubMed 30998217.